The following is an entry in ClinVar:

ClinVar aggregate classification (germline): Uncertain significance (1 of 4 stars; one submission).

gnomAD v4.1: 21 of 1,602,552 alleles (0.0013%); highest among the groups gnomAD compares: African/African-American, 0.004%; no homozygotes.

Submission:

GeneDx
Classification: Uncertain significance. Last evaluated: 2023-12-31. Review status: criteria provided, single submitter. Criteria: GeneDx Variant Classification Process June 2021. Collection method: clinical testing. Allele origin: germline. Affected: yes.
Comment: Has not been previously published as pathogenic or benign to our knowledge; In silico analysis supports that this missense variant has a deleterious effect on protein structure/function

NM_001365276.2(TNXB):c.92A>G (p.Asn31Ser)

Gene: TNXB (tenascin XB; minus strand). Cytogenetic location: 6p21.33.
Variant type: single nucleotide variant.
Coding change: c.92A>G on transcript NM_001365276.2 (MANE Select); coding-DNA position 92, A replaced by G.
Protein change: p.Asn31Ser; replaces asparagine 31 with serine.
Molecular consequence: missense variant.
Genome position (GRCh38, 1-based): chr6:32,098,107, T>C on the plus strand (A>G on the coding strand, the complement: TNXB is on the minus strand). VCF-style: chr6-32098107-T-C. GRCh37 (hg19) VCF-style: chr6-32065884-T-C.
Other names: c.92A>G, p.Asn31Ser (NM_001428335.1, NM_019105.8); short protein forms N31S.
Identifiers: ClinVar variation 3367355 (VCV003367355.1).